The following is an entry in ClinVar:

NM_012431.3(SEMA3E):c.445T>C (p.Tyr149His)

Gene: SEMA3E (semaphorin 3E; minus strand). Cytogenetic location: 7q21.11.
Variant type: single nucleotide variant.
Coding change: c.445T>C on transcript NM_012431.3 (MANE Select); coding-DNA position 445, T replaced by C.
Protein change: p.Tyr149His; replaces tyrosine 149 with histidine.
Molecular consequence: missense variant.
Genome position (GRCh38, 1-based): chr7:83,466,493, A>G on the plus strand (T>C on the coding strand, the complement: SEMA3E is on the minus strand). VCF-style: chr7-83466493-A-G. GRCh37 (hg19) VCF-style: chr7-83095809-A-G.
Other names: c.265T>C, p.Tyr89His (NM_001178129.2); c.445T>C (NM_012431.2); short protein forms Y149H, Y89H.
Identifiers: ClinVar variation 999384 (VCV000999384.9), dbSNP rs1789759218, ClinGen allele CA367935536.

ClinVar aggregate classification (germline): Uncertain significance. Review status: criteria provided, multiple submitters, no conflicts (2 of 4 stars). 2 submissions from 2 submitters: Uncertain significance (2). Last evaluated 2025-07-31.

Conditions:
SEMA3E-related disorder. Also called: SEMA3E-related condition.
CHARGE syndrome (CHARGE). Also called: Hittner Hirsch Kreh syndrome; Coloboma, heart anomaly, choanal atresia, retardation, genital and ear anomalies; CHARGE association; Hall-Hittner syndrome; CHARGE ASSOCIATION--COLOBOMA, HEART ANOMALY, CHOANAL ATRESIA, RETARDATION, GENITAL AND EAR ANOMALIES. Identifiers: Orphanet 138, MedGen C0265354, MONDO:0008965.

Allele frequency attached by ClinVar (database versions not stated): gnomAD exomes 0.00001.
gnomAD v4.1: 12 of 1,614,020 alleles (0.00074%); highest among the groups gnomAD compares: Non-Finnish European, 0.00093%; no homozygotes.

Submissions (2):

PreventionGenetics, part of Exact Sciences
Classification: Uncertain significance for SEMA3E-related condition. Last evaluated: 2025-07-31. Review status: criteria provided, single submitter. Criteria: ACMG Guidelines, 2015. Collection method: clinical testing. Allele origin: germline.
Comment: The SEMA3E c.445T>C variant is predicted to result in the amino acid substitution p.Tyr149His. To our knowledge, this variant has not been reported in the literature or in a large population database (gnomAD), indicating this variant is rare. At this time, the clinical significance of this variant is uncertain due to the absence of conclusive functional and genetic evidence.

Labcorp Genetics (formerly Invitae), Labcorp
Classification: Uncertain significance for CHARGE syndrome. Last evaluated: 2023-09-09. Review status: criteria provided, single submitter. Criteria: Invitae Variant Classification Sherloc (09022015). Collection method: clinical testing. Allele origin: germline.
Comment: ClinVar contains an entry for this variant (Variation ID: 999384). In summary, the available evidence is currently insufficient to determine the role of this variant in disease. Therefore, it has been classified as a Variant of Uncertain Significance. Algorithms developed to predict the effect of missense changes on protein structure and function output the following: SIFT: "Not Available"; PolyPhen-2: "Benign"; Align-GVGD: "Not Available". The histidine amino acid residue is found in multiple mammalian species, which suggests that this missense change does not adversely affect protein function. This variant has not been reported in the literature in individuals affected with SEMA3E-related conditions. This variant is not present in population databases (gnomAD no frequency). This sequence change replaces tyrosine, which is neutral and polar, with histidine, which is basic and polar, at codon 149 of the SEMA3E protein (p.Tyr149His).